The following is an entry in ClinVar:

NM_000548.5(TSC2):c.5397G>T (p.Ser1799=)

Gene: TSC2 (TSC complex subunit 2; plus strand). Cytogenetic location: 16p13.3.
Variant type: single nucleotide variant.
Coding change: c.5397G>T on transcript NM_000548.5 (MANE Select); coding-DNA position 5397, G replaced by T.
Protein change: p.Ser1799=; no amino-acid change (serine 1799 retained).
Molecular consequence: synonymous variant.
Genome position (GRCh38, 1-based): chr16:2,088,583, G>T. VCF-style: chr16-2088583-G-T. GRCh37 (hg19) VCF-style: chr16-2138584-G-T.
Other names: c.5196G>T, p.Ser1732= (NM_001077183.3); c.5328G>T, p.Ser1776= (NM_001114382.3); c.5088G>T, p.Ser1696= (NM_001318827.2); c.5052G>T, p.Ser1684= (NM_001318829.2); c.4665G>T, p.Ser1555= (NM_001318831.2); c.5229G>T, p.Ser1743= (NM_001318832.2); c.5199G>T, p.Ser1733= (NM_001363528.2); c.5265G>T, p.Ser1755= (NM_001370404.1); and 2 more.
Identifiers: ClinVar variation 1118494 (VCV001118494.12), dbSNP rs1051771, ClinGen allele CA493043829.

ClinVar aggregate classification (germline): Benign/Likely benign. Review status: criteria provided, multiple submitters, no conflicts (2 of 4 stars). 3 submissions from 3 submitters: Benign (1); Likely benign (2). Last evaluated 2025-06-09.

Conditions:
Hereditary cancer-predisposing syndrome. Also called: Neoplastic Syndromes, Hereditary; Hereditary Cancer Syndrome; Hereditary neoplastic syndrome; Tumor predisposition. Identifiers: Orphanet 140162, MedGen C0027672, MeSH D009386, MONDO:0015356.
Tuberous sclerosis 2 (TSC2). Identifiers: Orphanet 805, MedGen C1860707, MONDO:0013199, OMIM 613254.

gnomAD v4.1: 5 of 1,607,358 alleles (0.00031%); highest among the groups gnomAD compares: South Asian, 0.0011%; no homozygotes.

Submissions (3):

Myriad Genetics, Inc.
Classification: Benign for Tuberous sclerosis 2. Last evaluated: 2025-06-09. Review status: criteria provided, single submitter. Criteria: Myriad Autosomal Dominant, Autosomal Recessive and X-Linked Classification Criteria (2023). Collection method: clinical testing. Allele origin: unknown.
Comment: This variant is considered benign. This variant is a silent/synonymous amino acid change and it is not expected to impact splicing.

Labcorp Genetics (formerly Invitae), Labcorp
Classification: Likely benign for Tuberous sclerosis 2. Last evaluated: 2023-11-24. Review status: criteria provided, single submitter. Criteria: Invitae Variant Classification Sherloc (09022015). Collection method: clinical testing. Allele origin: germline.

Ambry Genetics
Classification: Likely benign for Hereditary cancer-predisposing syndrome. Last evaluated: 2020-03-19. Review status: criteria provided, single submitter. Criteria: Ambry Variant Classification Scheme 2023. Collection method: clinical testing. Allele origin: germline.